The following is an entry in ClinVar:

NM_006623.4(PHGDH):c.422C>T (p.Thr141Ile)

Gene: PHGDH (phosphoglycerate dehydrogenase; plus strand). Cytogenetic location: 1p12.
Variant type: single nucleotide variant.
Coding change: c.422C>T on transcript NM_006623.4 (MANE Select); coding-DNA position 422, C replaced by T.
Protein change: p.Thr141Ile; replaces threonine 141 with isoleucine.
Molecular consequence: missense variant.
Genome position (GRCh38, 1-based): chr1:119,727,014, C>T. VCF-style: chr1-119727014-C-T. GRCh37 (hg19) VCF-style: chr1-120269637-C-T.
Other names: p.Thr141Ile; c.422C>T (NM_006623.3); short protein forms T141I.
Identifiers: ClinVar variation 990733 (VCV000990733.5), dbSNP rs200037593, ClinGen allele CA1037103.
Genomic context (GRCh38, chr1:119,727,014, plus strand): 5'-CACTCATGTTGCTGACTTCAGCTTCTTTCCTTTTGCCTGTTTGGTTGCAGTTCATGGGAA[C>T]AGAGCTGAATGGAAAGACCCTGGGAATTCTTGGCCTGGGCAGGATTGGGAGAGAGGTAGC-3'
Protein context (NP_006614.2, residues 131-151): GKWERKKFMG[Thr141Ile]ELNGKTLGIL

ClinVar aggregate classification (germline): Uncertain significance. Review status: criteria provided, multiple submitters, no conflicts (2 of 4 stars). 6 submissions from 5 submitters: Uncertain significance (5). 1 of the submissions does not count toward it. Last evaluated 2025-05-12.

Conditions:
Inborn genetic diseases. Identifiers: MedGen C0950123, MeSH D030342.
Neu-Laxova syndrome 1 (NLS1). Identifiers: Orphanet 2671, Orphanet 583607, MedGen C4551478, MONDO:0009736, OMIM 256520. Disease mechanism: loss of function.
PHGDH deficiency. Identifiers: Orphanet 79351, MedGen C1866174, MONDO:0011152, OMIM 601815.

Allele frequency attached by ClinVar (database versions not stated): ESP Exome Variant Server 0.00008; gnomAD 0.00008 and 0.00009; ExAC 0.00010; TOPMed 0.00011; gnomAD exomes 0.00012; 1000 Genomes Project 0.00020; 1000 Genomes Project 30x 0.00031.
gnomAD v4.1: 120 of 1,613,322 alleles (0.0074%); highest among the groups gnomAD compares: Admixed American, 0.012%; no homozygotes.

Submissions (6):

Mayo Clinic Laboratories, Mayo Clinic
Classification: Uncertain significance. Last evaluated: 2025-05-12. Review status: criteria provided, single submitter. Criteria: ACMG Guidelines, 2015. Collection method: clinical testing. Allele origin: germline. Observed: 1 variant allele.
Comment: BP4

Genome-Nilou Lab
Classification: Uncertain significance for Neu-Laxova syndrome 1. Last evaluated: 2023-04-11. Review status: criteria provided, single submitter. Criteria: ACMG Guidelines, 2015. Collection method: clinical testing. Allele origin: germline. Affected: no.

Genome-Nilou Lab
Classification: Uncertain significance for PHGDH deficiency. Last evaluated: 2023-04-11. Review status: criteria provided, single submitter. Criteria: ACMG Guidelines, 2015. Collection method: clinical testing. Allele origin: germline. Affected: no.

Labcorp Genetics (formerly Invitae), Labcorp
Classification: Uncertain significance for PHGDH deficiency. Last evaluated: 2022-10-14. Review status: criteria provided, single submitter. Criteria: Invitae Variant Classification Sherloc (09022015). Collection method: clinical testing. Allele origin: germline.
Comment: This sequence change replaces threonine, which is neutral and polar, with isoleucine, which is neutral and non-polar, at codon 141 of the PHGDH protein (p.Thr141Ile). This variant is present in population databases (rs200037593, gnomAD 0.1%). This variant has not been reported in the literature in individuals affected with PHGDH-related conditions. ClinVar contains an entry for this variant (Variation ID: 990733). Advanced modeling of protein sequence and biophysical properties (such as structural, functional, and spatial information, amino acid conservation, physicochemical variation, residue mobility, and thermodynamic stability) performed at Invitae indicates that this missense variant is not expected to disrupt PHGDH protein function. In summary, the available evidence is currently insufficient to determine the role of this variant in disease. Therefore, it has been classified as a Variant of Uncertain Significance.

Ambry Genetics
Classification: Uncertain significance for Inborn genetic diseases. Last evaluated: 2020-12-03. Review status: criteria provided, single submitter. Criteria: Ambry Variant Classification Scheme 2023. Collection method: clinical testing. Allele origin: germline.
Comment: The c.422C>T (p.T141I) alteration is located in exon 5 (coding exon 5) of the PHGDH gene. This alteration results from a C to T substitution at nucleotide position 422, causing the threonine (T) at amino acid position 141 to be replaced by an isoleucine (I). The p.T141I alteration is predicted to be tolerated by in silico analysis. Based on insufficient or conflicting evidence, the clinical significance of this alteration remains unclear.

Natera, Inc.
Classification: Likely benign for Phosphoglycerate dehydrogenase deficiency. Last evaluated: 2020-08-10. Review status: no assertion criteria provided. Collection method: clinical testing. Allele origin: germline. Not counted in ClinVar's aggregate classification.